The following is an entry in ClinVar:

ClinVar aggregate classification (germline): Uncertain significance. Review status: criteria provided, multiple submitters, no conflicts (2 of 4 stars). 3 submissions from 3 submitters: Uncertain significance (3). Last evaluated 2024-10-03.

Conditions:
Hereditary cancer-predisposing syndrome. Also called: Neoplastic Syndromes, Hereditary; Hereditary Cancer Syndrome; Hereditary neoplastic syndrome; Tumor predisposition. Identifiers: Orphanet 140162, MedGen C0027672, MeSH D009386, MONDO:0015356.
KIT-related disorder. Also called: KIT-related condition.
Gastrointestinal stromal tumor. Also called: Gastrointestinal stromal tumor, somatic; Gastrointestinal stroma tumor. Identifiers: Orphanet 44890, MedGen C0238198, MeSH D046152, MONDO:0011719, OMIM 606764, HP:0100723.

Allele frequency attached by ClinVar (database versions not stated): gnomAD exomes below 0.00001; ExAC 0.00001.
gnomAD v4.1: 1 of 1,614,036 alleles (0.000062%); highest among the groups gnomAD compares: Non-Finnish European, 0.000085%; no homozygotes.

Submissions (3):

Ambry Genetics
Classification: Uncertain significance for Hereditary cancer-predisposing syndrome. Last evaluated: 2024-10-03. Review status: criteria provided, single submitter. Criteria: Ambry Variant Classification Scheme 2023. Collection method: clinical testing. Allele origin: germline.

Labcorp Genetics (formerly Invitae), Labcorp
Classification: Uncertain significance for Gastrointestinal stromal tumor. Last evaluated: 2024-09-30. Review status: criteria provided, single submitter. Criteria: Invitae Variant Classification Sherloc (09022015). Collection method: clinical testing. Allele origin: germline.
Comment: This sequence change replaces tyrosine, which is neutral and polar, with cysteine, which is neutral and slightly polar, at codon 221 of the KIT protein (p.Tyr221Cys). This variant is present in population databases (rs763853854, gnomAD 0.0009%). This variant has not been reported in the literature in individuals affected with KIT-related conditions. ClinVar contains an entry for this variant (Variation ID: 1009696). An algorithm developed to predict the effect of missense changes on protein structure and function (PolyPhen-2) suggests that this variant is likely to be tolerated. In summary, the available evidence is currently insufficient to determine the role of this variant in disease. Therefore, it has been classified as a Variant of Uncertain Significance.

PreventionGenetics, part of Exact Sciences
Classification: Uncertain significance for KIT-related condition. Last evaluated: 2023-03-03. Review status: criteria provided, single submitter. Criteria: ACMG Guidelines, 2015. Collection method: clinical testing. Allele origin: germline.
Comment: The KIT c.662A>G variant is predicted to result in the amino acid substitution p.Tyr221Cys. To our knowledge, this variant has not been reported in the literature. This variant is reported in 1 of ~251,000 alleles in gnomAD and is interpreted as uncertain significance in ClinVar. At this time, the clinical significance of this variant is uncertain due to the absence of conclusive functional and genetic evidence.

NM_000222.3(KIT):c.662A>G (p.Tyr221Cys)

Gene: KIT (KIT proto-oncogene, receptor tyrosine kinase; plus strand). Cytogenetic location: 4q12.
Variant type: single nucleotide variant.
Coding change: c.662A>G on transcript NM_000222.3 (MANE Select); coding-DNA position 662, A replaced by G.
Protein change: p.Tyr221Cys; replaces tyrosine 221 with cysteine.
Molecular consequence: missense variant.
Genome position (GRCh38, 1-based): chr4:54,699,672, A>G. VCF-style: chr4-54699672-A-G. GRCh37 (hg19) VCF-style: chr4-55565838-A-G.
Other names: c.662A>G, p.Tyr221Cys (NM_001093772.2, NM_001385284.1, NM_001385285.1 and 4 more transcripts); short protein forms Y221C.
Identifiers: ClinVar variation 1009696 (VCV001009696.14), dbSNP rs763853854, ClinGen allele CA2923292.